The following is an entry in ClinVar:

NM_031433.4(MFRP):c.848C>T (p.Ala283Val)

Genes: C1QTNF5 (C1q and TNF related 5; minus strand), MFRP (membrane frizzled-related protein; minus strand). Cytogenetic location: 11q23.3.
Variant type: single nucleotide variant.
Coding change: c.848C>T on transcript NM_031433.4 (MANE Select); coding-DNA position 848, C replaced by T.
Protein change: p.Ala283Val; replaces alanine 283 with valine.
Molecular consequence: missense variant. On other transcripts: 5 prime UTR variant (1).
Genome position (GRCh38, 1-based): chr11:119,344,682, G>A on the plus strand (C>T on the coding strand, the complement: MFRP is on the minus strand). VCF-style: chr11-119344682-G-A. GRCh37 (hg19) VCF-style: chr11-119215392-G-A.
Other names: c.-1789C>T (NM_015645.5); short protein forms A283V.
Identifiers: ClinVar variation 1517898 (VCV001517898.8), dbSNP rs2135372104, ClinGen allele CA382976609.

ClinVar aggregate classification (germline): Uncertain significance (1 of 4 stars; one submission).

Conditions:
Isolated microphthalmia 5. Also called: Posterior Microphthalmia with Retinitis Pigmentosa, Foveoschisis, and Optic Disc Drusen. Identifiers: Orphanet 251279, MedGen C1970236, MONDO:0012605, OMIM 611040.

Submission:

Labcorp Genetics (formerly Invitae), Labcorp
Classification: Uncertain significance for Isolated microphthalmia 5. Last evaluated: 2024-06-18. Review status: criteria provided, single submitter. Criteria: Invitae Variant Classification Sherloc (09022015). Collection method: clinical testing. Allele origin: germline.
Comment: This sequence change replaces alanine, which is neutral and non-polar, with valine, which is neutral and non-polar, at codon 283 of the MFRP protein (p.Ala283Val). This variant is not present in population databases (gnomAD no frequency). This variant has not been reported in the literature in individuals affected with MFRP-related conditions. ClinVar contains an entry for this variant (Variation ID: 1517898). Advanced modeling of protein sequence and biophysical properties (such as structural, functional, and spatial information, amino acid conservation, physicochemical variation, residue mobility, and thermodynamic stability) performed at Invitae indicates that this missense variant is not expected to disrupt MFRP protein function with a negative predictive value of 80%. In summary, the available evidence is currently insufficient to determine the role of this variant in disease. Therefore, it has been classified as a Variant of Uncertain Significance.